The following is an entry in ClinVar:

NM_207361.6(FREM2):c.1394C>T (p.Pro465Leu)

Gene: FREM2 (FRAS1 related extracellular matrix 2; plus strand). Cytogenetic location: 13q13.3.
Variant type: single nucleotide variant.
Coding change: c.1394C>T on transcript NM_207361.6 (MANE Select); coding-DNA position 1394, C replaced by T.
Protein change: p.Pro465Leu; replaces proline 465 with leucine.
Molecular consequence: missense variant.
Genome position (GRCh38, 1-based): chr13:38,688,738, C>T. VCF-style: chr13-38688738-C-T. GRCh37 (hg19) VCF-style: chr13-39262875-C-T.
Other names: short protein forms P465L.
Identifiers: ClinVar variation 1399032 (VCV001399032.7), dbSNP rs755744742, ClinGen allele CA6954397.

ClinVar aggregate classification (germline): Uncertain significance. Review status: criteria provided, multiple submitters, no conflicts (2 of 4 stars). 2 submissions from 2 submitters: Uncertain significance (2). Last evaluated 2024-01-05.

Conditions:
Fraser syndrome 2 (FRASRS2). Identifiers: MedGen C4540036, MONDO:0054738, OMIM 617666.
Isolated cryptophthalmia. Also called: Cryptophthalmos, unilateral or bilateral, isolated; ANKYLOBLEPHARON, SIMPLE. Identifiers: Orphanet 91396, MedGen C1852453, MONDO:0007410, OMIM 123570.

Allele frequency attached by ClinVar (database versions not stated): ExAC 0.00002; gnomAD 0.00004; gnomAD exomes 0.00004; TOPMed 0.00005.
gnomAD v4.1: 120 of 1,613,782 alleles (0.0074%); highest among the groups gnomAD compares: Middle Eastern, 0.033%; no homozygotes.

Submissions (2):

Fulgent Genetics
Classification: Uncertain significance for Isolated cryptophthalmia; Fraser syndrome 2. Last evaluated: 2024-01-05. Review status: criteria provided, single submitter. Criteria: ACMG Guidelines, 2015. Collection method: clinical testing. Allele origin: germline.

Labcorp Genetics (formerly Invitae), Labcorp
Classification: Uncertain significance. Last evaluated: 2021-08-26. Review status: criteria provided, single submitter. Criteria: Invitae Variant Classification Sherloc (09022015). Collection method: clinical testing. Allele origin: germline.
Comment: This sequence change replaces proline with leucine at codon 465 of the FREM2 protein (p.Pro465Leu). The proline residue is moderately conserved and there is a moderate physicochemical difference between proline and leucine. This variant is present in population databases (rs755744742, ExAC 0.005%). This variant has not been reported in the literature in individuals affected with FREM2-related conditions. Algorithms developed to predict the effect of missense changes on protein structure and function output the following: SIFT: "Deleterious"; PolyPhen-2: "Benign"; Align-GVGD: "Class C0". The leucine amino acid residue is found in multiple mammalian species, which suggests that this missense change does not adversely affect protein function. In summary, the available evidence is currently insufficient to determine the role of this variant in disease. Therefore, it has been classified as a Variant of Uncertain Significance.